The following is an entry in ClinVar:

ClinVar aggregate classification (germline): Uncertain significance (1 of 4 stars; one submission).

Allele frequency attached by ClinVar (database versions not stated): ExAC 0.00001; TOPMed 0.00002; ESP Exome Variant Server 0.00008.
gnomAD v4.1: 19 of 1,613,046 alleles (0.0012%); highest among the groups gnomAD compares: Middle Eastern, 0.016%; no homozygotes.

Submission:

Laboratory for Molecular Medicine, Mass General Brigham Personalized Medicine
Classification: Uncertain significance. Last evaluated: 2017-08-10. Review status: criteria provided, single submitter. Criteria: LMM Criteria. Collection method: clinical testing. Allele origin: germline. Observed: 1 variant allele.
Comment: The p.Ala113Thr variant in CLDN14 has not been previously reported in individual s with hearing loss, but has been identified in 1/15172 African and in 1/107834 European chromosomes by the Genome Aggregation Database (gnomAD; dbSNP rs138631461). Although this variant has been seen in t he general population, its frequency is not high enough to rule out a pathogenic role. Computational prediction tools and conservation analyses suggest that thi s variant may not impact the protein, though this information is not predictive enough to rule out pathogenicity. In summary, the clinical significance of the p .Ala113Thr variant is uncertain.

NM_001146079.2(CLDN14):c.337G>A (p.Ala113Thr)

Genes: CLDN14 (claudin 14; minus strand), CLDN14-AS1 (CLDN14 antisense RNA 1; plus strand). Cytogenetic location: 21q22.13.
Variant type: single nucleotide variant.
Coding change: c.337G>A on transcript NM_001146079.2 (MANE Select); coding-DNA position 337, G replaced by A.
Protein change: p.Ala113Thr; replaces alanine 113 with threonine.
Molecular consequence: missense variant.
Genome position (GRCh38, 1-based): chr21:36,461,359, C>T on the plus strand (G>A on the coding strand, the complement: CLDN14 is on the minus strand). VCF-style: chr21-36461359-C-T. GRCh37 (hg19) VCF-style: chr21-37833657-C-T.
Other names: c.337G>A, p.Ala113Thr (NM_001146077.2, NM_001146078.3, NM_012130.4 and 1 more transcripts); short protein forms A113T.
Identifiers: ClinVar variation 504557 (VCV000504557.4), dbSNP rs138631461, ClinGen allele CA10019283.